The following is an entry in ClinVar:

ClinVar aggregate classification (germline): Uncertain significance. Review status: criteria provided, multiple submitters, no conflicts (2 of 4 stars). 5 submissions from 5 submitters: Uncertain significance (5). Last evaluated 2025-12-31.

Conditions:
Congenital dyserythropoietic anemia, type II (CDAN2). Also called: DYSERYTHROPOIETIC ANEMIA, HEMPAS TYPE. Identifiers: Orphanet 98873, MedGen C1306589, MONDO:0009134, OMIM 224100.
Cowden syndrome 7 (CWS7). Identifiers: Orphanet 201, MedGen C4225179, MONDO:0014802, OMIM 616858.

Allele frequency attached by ClinVar (database versions not stated): gnomAD 0.00001; TOPMed 0.00001.
gnomAD v4.1: 14 of 1,600,956 alleles (0.00087%); highest among the groups gnomAD compares: Admixed American, 0.0033%; no homozygotes.

Submissions (5):

Women's Health and Genetics/Laboratory Corporation of America, LabCorp
Classification: Uncertain significance. Last evaluated: 2025-12-31. Review status: criteria provided, single submitter. Criteria: LabCorp Variant Classification Summary - May 2015. Collection method: clinical testing. Allele origin: germline.
Comment: Variant summary: SEC23B c.221+3A>G alters a nucleotide located close to a canonical splice site and therefore could affect mRNA splicing, leading to a significantly altered protein sequence. Several computational tools predict a significant impact on normal splicing: Two predict the variant abolishes a 5' splicing donor site. One predict the variant weakens a 5' donor site. One predict the variant no significant impact on splicing. However, these predictions have yet to be confirmed by functional studies. The variant allele was found at a frequency of 1.2e-05 in 251422 control chromosomes. The available data on variant occurrences in the general population are insufficient to allow any conclusion about variant significance. c.221+3A>G has been observed in individual(s) affected with Congenital dyserythropoietic anemia (Rinaldi_2020). These data do not allow any conclusion about variant significance. To our knowledge, no experimental evidence demonstrating an impact on protein function has been reported. The following publication have been ascertained in the context of this evaluation (PMID: 32058062). ClinVar contains an entry for this variant (Variation ID: 847390). Based on the evidence outlined above, the variant was classified as uncertain significance.

3billion
Classification: Uncertain significance for Cowden syndrome 7. Last evaluated: 2025-02-12. Review status: criteria provided, single submitter. Criteria: ACMG Guidelines, 2015. Collection method: clinical testing. Allele origin: germline. Affected: yes.
Comment: The variant is observed at an extremely low frequency in the gnomAD v4.1.0 dataset (total allele frequency: <0.001%). Predicted Consequence/Location: Intron variant In silico tools predict the variant to alter splicing and produce an abnormal transcript [SpliceAI: 0.83 (>=0.2, moderate evidence for spliceogenicity)]. The variant has been reported to be associated with SEC23B-related disorder (PMID: 32058062). Therefore, this variant is classified as VUS according to the recommendation of ACMG/AMP guideline.

Revvity Omics, Revvity
Classification: Uncertain significance. Last evaluated: 2023-07-25. Review status: criteria provided, single submitter. Criteria: ACMG Guidelines, 2015. Collection method: clinical testing. Allele origin: germline.

Labcorp Genetics (formerly Invitae), Labcorp
Classification: Uncertain significance for Congenital dyserythropoietic anemia, type II; Cowden syndrome 7. Last evaluated: 2021-08-31. Review status: criteria provided, single submitter. Criteria: Invitae Variant Classification Sherloc (09022015). Collection method: clinical testing. Allele origin: germline.

Mayo Clinic Laboratories, Mayo Clinic
Classification: Uncertain significance. Last evaluated: 2021-05-13. Review status: criteria provided, single submitter. Criteria: ACMG Guidelines, 2015. Collection method: clinical testing. Allele origin: germline.

Literature cited by the submitters: PubMed 32058062 (cited by Women's Health and Genetics/Laboratory Corporation of America, LabCorp and 3billion).

NM_006363.6(SEC23B):c.221+3A>G

Gene: SEC23B (SEC23 homolog B, COPII component; plus strand). Cytogenetic location: 20p11.23.
Variant type: single nucleotide variant.
Coding change: c.221+3A>G on transcript NM_006363.6 (MANE Select); 3 bases into the intron after coding-DNA position 221, A replaced by G.
Molecular consequence: intron variant.
Genome position (GRCh38, 1-based): chr20:18,511,059, A>G. VCF-style: chr20-18511059-A-G. GRCh37 (hg19) VCF-style: chr20-18491703-A-G.
Other names: c.221+3A>G (NM_032986.5, NM_001172745.3, NM_032985.6 and 1 more transcripts).
Identifiers: ClinVar variation 847390 (VCV000847390.14), dbSNP rs777858803, ClinGen allele CA635265073.
Genomic context (GRCh38, chr20:18,511,059, plus strand): 5'-AATATGAACCTGTGCTTTGCAGCAGGCCAACTTGTAAAGCTGTTCTCAACCCACTTTGGT[A>G]TGGATTCTTTTGAAACTGGTAAAAATGATAAATACAATATATTATGAATTTTATGTGATG-3'